The following is an entry in ClinVar:

NM_031475.3(ESPN):c.909C>G (p.Arg303=)

Gene: ESPN (espin; plus strand). Cytogenetic location: 1p36.31.
Variant type: single nucleotide variant.
Coding change: c.909C>G on transcript NM_031475.3 (MANE Select); coding-DNA position 909, C replaced by G.
Protein change: p.Arg303=; no amino-acid change (arginine 303 retained).
Molecular consequence: synonymous variant.
Genome position (GRCh38, 1-based): chr1:6,440,984, C>G. VCF-style: chr1-6440984-C-G. GRCh37 (hg19) VCF-style: chr1-6501044-C-G.
Other names: p.Arg303=; c.909C>G, p.Arg303= (NM_001367473.1, NM_001367474.1).
Identifiers: ClinVar variation 226636 (VCV000226636.20), dbSNP rs2311045, ClinGen allele CA560032.

ClinVar aggregate classification (germline): Benign. Review status: criteria provided, multiple submitters, no conflicts (2 of 4 stars). 8 submissions from 8 submitters: Benign (6). 2 of the submissions do not count toward it. Last evaluated 2026-02-01.

Allele frequency attached by ClinVar (database versions not stated): gnomAD exomes 0.13613; ESP Exome Variant Server 0.15845; gnomAD 0.16572; TOPMed 0.16928; 1000 Genomes Project 0.18211; 1000 Genomes Project 30x 0.18535; ExAC 0.19493.
gnomAD v4.1: 216,905 of 1,606,166 alleles (14%); highest among the groups gnomAD compares: African/African-American, 25%; 15,663 homozygotes.

Submissions (8):

Labcorp Genetics (formerly Invitae), Labcorp
Classification: Benign. Last evaluated: 2026-02-01. Review status: criteria provided, single submitter. Criteria: Invitae Variant Classification Sherloc (09022015). Collection method: clinical testing. Allele origin: germline.

Blueprint Genetics
Classification: Benign. Last evaluated: 2024-11-26. Review status: criteria provided, single submitter. Criteria: ACMG Guidelines, 2015. Collection method: clinical testing. Allele origin: germline.

Mayo Clinic Laboratories, Mayo Clinic
Classification: Benign. Last evaluated: 2019-05-13. Review status: criteria provided, single submitter. Criteria: ACMG Guidelines, 2015. Collection method: clinical testing. Allele origin: germline. Observed: 33 variant alleles.

GeneDx
Classification: Benign. Last evaluated: 2017-05-09. Review status: criteria provided, single submitter. Criteria: GeneDx Variant Classification (06012015). Collection method: clinical testing. Allele origin: germline. Affected: yes.
Comment: This variant is considered likely benign or benign based on one or more of the following criteria: it is a conservative change, it occurs at a poorly conserved position in the protein, it is predicted to be benign by multiple in silico algorithms, and/or has population frequency not consistent with disease.

Laboratory for Molecular Medicine, Mass General Brigham Personalized Medicine
Classification: Benign. Last evaluated: 2015-10-20. Review status: criteria provided, single submitter. Criteria: LMM Criteria. Collection method: clinical testing. Allele origin: germline. Observed: 295 variant alleles.
Comment: p.Arg303Arg in exon 5 of EPSN: This variant is not expected to have clinical sig nificance because it has high frequency in the general population, does not alte r an amino acid residue and is not located within the splice consensus sequence. It has been identified in 19.5% (14152/72600) of all chromosomes by the Exome A ggregation Consortium (ExAC;dbSNP rs2311045).

Breakthrough Genomics
Classification: Benign. Review status: criteria provided, single submitter. Criteria: ACMG Guidelines, 2015. Collection method: not provided. Allele origin: germline. Inheritance: Autosomal recessive inheritance. Affected: yes.

Diagnostic Laboratory, Department of Genetics, University Medical Center Groningen
Classification: Benign. Review status: no assertion criteria provided. Collection method: clinical testing. Allele origin: germline. Affected: yes. Study: VKGL Data-share Consensus. Not counted in ClinVar's aggregate classification.

Joint Genome Diagnostic Labs from Nijmegen and Maastricht, Radboudumc and MUMC+
Classification: Benign. Review status: no assertion criteria provided. Collection method: clinical testing. Allele origin: germline. Affected: yes. Study: VKGL Data-share Consensus. Not counted in ClinVar's aggregate classification.